The following is an entry in ClinVar:

ClinVar aggregate classification (germline): Pathogenic (1 of 4 stars; one submission).

Conditions:
Hereditary nonpolyposis colorectal neoplasms. Identifiers: MedGen C0009405, MeSH D003123.

Submission:

Labcorp Genetics (formerly Invitae), Labcorp
Classification: Pathogenic for Hereditary nonpolyposis colorectal neoplasms. Last evaluated: 2017-08-16. Review status: criteria provided, single submitter. Criteria: Invitae Variant Classification Sherloc (09022015). Collection method: clinical testing. Allele origin: germline.
Comment: This variant is a gross deletion of the genomic region encompassing exons 1-6 of the MSH6 gene, which includes the initiator codon. The 5' end of this event is unknown as it extends beyond the assayed region for this gene and therefore may encompass additional genes. The 3' boundary is likely confined to intron 6 of the MSH6 gene. This is expected to result in an absent or disrupted protein product. This variant has not been reported in the literature in individuals with MSH6-related disease. Loss-of-function variants in MSH6 are known to be pathogenic (PMID: 24362816,Â¬â€ 18269114). For these reasons, this variant has been classified as Pathogenic.

NC_000002.12:g.(?_47783228)_(47805033_?)del

Genes: MSH6 (mutS homolog 6; plus strand), LOC129933707 (ATAC-STARR-seq lymphoblastoid silent region 11468; plus strand), LOC129933708 (ATAC-STARR-seq lymphoblastoid silent region 11469; plus strand). Cytogenetic location: 2p16.3.
Variant type: Deletion.
Identifiers: ClinVar variation 455067 (VCV000455067.1).